The following is an entry in ClinVar:

NM_016222.4(DDX41):c.728G>A (p.Cys243Tyr)

Gene: DDX41 (DEAD-box helicase 41; minus strand). Cytogenetic location: 5q35.3.
Variant type: single nucleotide variant.
Coding change: c.728G>A on transcript NM_016222.4 (MANE Select); coding-DNA position 728, G replaced by A.
Protein change: p.Cys243Tyr; replaces cysteine 243 with tyrosine.
Molecular consequence: missense variant.
Genome position (GRCh38, 1-based): chr5:177,514,986, C>T on the plus strand (G>A on the coding strand, the complement: DDX41 is on the minus strand). VCF-style: chr5-177514986-C-T. GRCh37 (hg19) VCF-style: chr5-176941987-C-T.
Other names: c.350G>A, p.Cys117Tyr (NM_001321732.2, NM_001321830.2); short protein forms C117Y, C243Y.
Identifiers: ClinVar variation 3364715 (VCV003364715.2).
Genomic context (GRCh38, chr5:177,514,986, plus strand): 5'-ATGATGAGTCCATAGGGCCCCTCGCGCTTTGAGAAGGGTAACCTCTTCTCTTGTTCCAGG[C>T]AGAACATGATGACGGGCAACGTGAACACCAGTGTCTTGCCTGAACCCGTGAAAGCGATGC-3'
Protein context (NP_057306.2, residues 233-253): LVFTLPVIMF[Cys243Tyr]LEQEKRLPFS

ClinVar aggregate classification (germline): Uncertain significance. Review status: criteria provided, multiple submitters, no conflicts (2 of 4 stars). 2 submissions from 2 submitters: Uncertain significance (2). Last evaluated 2025-06-05.

Conditions:
Inborn genetic diseases. Identifiers: MedGen C0950123, MeSH D030342.

Submissions (2):

Ambry Genetics
Classification: Uncertain significance for Inborn genetic diseases. Last evaluated: 2025-06-05. Review status: criteria provided, single submitter. Criteria: Ambry Variant Classification Scheme 2023. Collection method: clinical testing. Allele origin: germline.
Comment: The p.C243Y variant (also known as c.728G>A), located in coding exon 8 of the DDX41 gene, results from a G to A substitution at nucleotide position 728. The cysteine at codon 243 is replaced by tyrosine, an amino acid with highly dissimilar properties. This amino acid position is well conserved in available vertebrate species. In addition, the in silico prediction for this alteration is inconclusive. Based on the available evidence, the clinical significance of this variant remains unclear.

GeneDx
Classification: Uncertain significance. Last evaluated: 2023-11-21. Review status: criteria provided, single submitter. Criteria: GeneDx Variant Classification Process June 2021. Collection method: clinical testing. Allele origin: germline. Affected: yes.
Comment: Not observed at significant frequency in large population cohorts (gnomAD); In silico analysis supports that this missense variant has a deleterious effect on protein structure/function; Has not been previously published as pathogenic or benign to our knowledge; This variant is associated with the following publications: (PMID: 27721487)